The following is an entry in ClinVar:

ClinVar aggregate classification (germline): Uncertain significance (1 of 4 stars; one submission).

Allele frequency attached by ClinVar (database versions not stated): gnomAD exomes below 0.00001; TOPMed 0.00002.
gnomAD v4.1: 3 of 1,613,958 alleles (0.00019%); highest among the groups gnomAD compares: African/African-American, 0.0027%; no homozygotes.

Submission:

Labcorp Genetics (formerly Invitae), Labcorp
Classification: Uncertain significance. Last evaluated: 2023-05-11. Review status: criteria provided, single submitter. Criteria: Invitae Variant Classification Sherloc (09022015). Collection method: clinical testing. Allele origin: germline.
Comment: This sequence change replaces alanine, which is neutral and non-polar, with threonine, which is neutral and polar, at codon 187 of the NANS protein (p.Ala187Thr). This variant is present in population databases (no rsID available, gnomAD 0.01%). An algorithm developed to predict the effect of missense changes on protein structure and function (PolyPhen-2) suggests that this variant is likely to be disruptive. ClinVar contains an entry for this variant (Variation ID: 1914386). This variant has not been reported in the literature in individuals affected with NANS-related conditions. In summary, the available evidence is currently insufficient to determine the role of this variant in disease. Therefore, it has been classified as a Variant of Uncertain Significance.

NM_018946.4(NANS):c.559G>A (p.Ala187Thr)

Genes: NANS (N-acetylneuraminate synthase; plus strand), TRIM14 (tripartite motif containing 14; minus strand). Cytogenetic location: 9q22.33.
Variant type: single nucleotide variant.
Coding change: c.559G>A on transcript NM_018946.4 (MANE Select); coding-DNA position 559, G replaced by A.
Protein change: p.Ala187Thr; replaces alanine 187 with threonine.
Molecular consequence: missense variant.
Genome position (GRCh38, 1-based): chr9:98,078,303, G>A. VCF-style: chr9-98078303-G-A. GRCh37 (hg19) VCF-style: chr9-100840585-G-A.
Other names: short protein forms A187T.
Identifiers: ClinVar variation 1914386 (VCV001914386.5), dbSNP rs1010935082, ClinGen allele CA196767901.